The following is an entry in ClinVar:

NM_183235.3(RAB27A):c.153G>A (p.Val51=)

Gene: RAB27A (RAB27A, member RAS oncogene family; minus strand). Cytogenetic location: 15q21.3.
Variant type: single nucleotide variant.
Coding change: c.153G>A on transcript NM_183235.3 (MANE Select); coding-DNA position 153, G replaced by A.
Protein change: p.Val51=; no amino-acid change (valine 51 retained).
Molecular consequence: synonymous variant.
Genome position (GRCh38, 1-based): chr15:55,234,782, C>T on the plus strand (G>A on the coding strand, the complement: RAB27A is on the minus strand). VCF-style: chr15-55234782-C-T. GRCh37 (hg19) VCF-style: chr15-55526980-C-T.
Other names: c.153G>A, p.Val51= (NM_004580.5, NM_183234.3, NM_183236.3).
Identifiers: ClinVar variation 1001073 (VCV001001073.6), dbSNP rs1331587655, ClinGen allele CA490429306.

ClinVar aggregate classification (germline): Uncertain significance (1 of 4 stars; one submission).

Conditions:
Griscelli syndrome type 2 (GS2). Also called: GRISCELLI SYNDROME WITH HEMOPHAGOCYTIC SYNDROME; PAID SYNDROME; PARTIAL ALBINISM AND IMMUNODEFICIENCY SYNDROME. Identifiers: Orphanet 381, Orphanet 79477, MedGen C1868679, MONDO:0011872, OMIM 607624.

Allele frequency attached by ClinVar (database versions not stated): gnomAD exomes below 0.00001; TOPMed below 0.00001.
gnomAD v4.1: 4 of 1,608,528 alleles (0.00025%); highest among the groups gnomAD compares: African/African-American, 0.0013%; no homozygotes.

Submission:

Labcorp Genetics (formerly Invitae), Labcorp
Classification: Uncertain significance for Griscelli syndrome type 2. Last evaluated: 2022-07-11. Review status: criteria provided, single submitter. Criteria: Invitae Variant Classification Sherloc (09022015). Collection method: clinical testing. Allele origin: germline.
Comment: In summary, the available evidence is currently insufficient to determine the role of this variant in disease. Therefore, it has been classified as a Variant of Uncertain Significance. Variants that disrupt the consensus splice site are a relatively common cause of aberrant splicing (PMID: 17576681, 9536098). Algorithms developed to predict the effect of sequence changes on RNA splicing suggest that this variant may disrupt the consensus splice site. ClinVar contains an entry for this variant (Variation ID: 1001073). This variant has not been reported in the literature in individuals affected with RAB27A-related conditions. The frequency data for this variant in the population databases is considered unreliable, as metrics indicate poor data quality at this position in the gnomAD database. This sequence change affects codon 51 of the RAB27A mRNA. It is a 'silent' change, meaning that it does not change the encoded amino acid sequence of the RAB27A protein. This variant also falls at the last nucleotide of exon 2, which is part of the consensus splice site for this exon.

Literature cited by the submitters: PubMed 17576681; PubMed 9536098.